The following is an entry in ClinVar:

NM_000481.4(AMT):c.415C>G (p.His139Asp)

Gene: AMT (aminomethyltransferase; minus strand). Cytogenetic location: 3p21.31.
Variant type: single nucleotide variant.
Coding change: c.415C>G on transcript NM_000481.4 (MANE Select); coding-DNA position 415, C replaced by G.
Protein change: p.His139Asp; replaces histidine 139 with aspartic acid.
Molecular consequence: missense variant. On other transcripts: non-coding transcript variant (1), intron variant (1).
Genome position (GRCh38, 1-based): chr3:49,420,267, G>C on the plus strand (C>G on the coding strand, the complement: AMT is on the minus strand). VCF-style: chr3-49420267-G-C. GRCh37 (hg19) VCF-style: chr3-49457700-G-C.
Other names: c.247C>G, p.His83Asp (NM_001164711.2); c.415C>G, p.His139Asp (NM_001164712.2); c.340-479C>G (NM_001164710.2); short protein forms H83D, H139D.
Identifiers: ClinVar variation 2142089 (VCV002142089.2), dbSNP rs775670903, ClinGen allele CA2398377.

ClinVar aggregate classification (germline): Uncertain significance. Review status: criteria provided, multiple submitters, no conflicts (2 of 4 stars). 2 submissions from 2 submitters: Uncertain significance (2). Last evaluated 2022-08-16.

Conditions:
Glycine encephalopathy. Also called: Non-ketotic hyperglycinemia; Nonketotic hyperglycinemia. Identifiers: Orphanet 407, MedGen C0751748, MONDO:0011612, HP:0008288.

Allele frequency attached by ClinVar (database versions not stated): gnomAD exomes below 0.00001; ExAC 0.00003.
gnomAD v4.1: 3 of 1,614,188 alleles (0.00019%); highest among the groups gnomAD compares: East Asian, 0.0067%; no homozygotes.

Submissions (2):

Labcorp Genetics (formerly Invitae), Labcorp
Classification: Uncertain significance for Glycine encephalopathy. Last evaluated: 2022-08-16. Review status: criteria provided, single submitter. Criteria: Invitae Variant Classification Sherloc (09022015). Collection method: clinical testing. Allele origin: germline.
Comment: This sequence change replaces histidine, which is basic and polar, with aspartic acid, which is acidic and polar, at codon 139 of the AMT protein (p.His139Asp). This variant is present in population databases (rs775670903, gnomAD 0.05%). This variant has not been reported in the literature in individuals affected with AMT-related conditions. Advanced modeling of protein sequence and biophysical properties (such as structural, functional, and spatial information, amino acid conservation, physicochemical variation, residue mobility, and thermodynamic stability) performed at Invitae indicates that this missense variant is not expected to disrupt AMT protein function. In summary, the available evidence is currently insufficient to determine the role of this variant in disease. Therefore, it has been classified as a Variant of Uncertain Significance.

Blueprint Genetics
Classification: Uncertain significance. Last evaluated: 2017-12-09. Review status: criteria provided, single submitter. Criteria: ACMG Guidelines, 2015. Collection method: clinical testing. Allele origin: germline.